The following is an entry in ClinVar:

NM_000431.4(MVK):c.1096G>T (p.Asp366Tyr)

Gene: MVK (mevalonate kinase; plus strand). Cytogenetic location: 12q24.11.
Variant type: single nucleotide variant.
Coding change: c.1096G>T on transcript NM_000431.4 (MANE Select); coding-DNA position 1096, G replaced by T.
Protein change: p.Asp366Tyr; replaces aspartic acid 366 with tyrosine.
Molecular consequence: missense variant.
Genome position (GRCh38, 1-based): chr12:109,596,482, G>T. VCF-style: chr12-109596482-G-T. GRCh37 (hg19) VCF-style: chr12-110034287-G-T.
Other names: c.1096G>T, p.Asp366Tyr (NM_001114185.3); c.940G>T, p.Asp314Tyr (NM_001301182.2); short protein forms D314Y, D366Y.
Identifiers: ClinVar variation 1716847 (VCV001716847.5), dbSNP rs1566153793, ClinGen allele CA386651330.
Genomic context (GRCh38, chr12:109,596,482, plus strand): 5'-GCAGGGCTGGAGCAGCCAGAAGTGGAGGCCACGAAGCAGGCCCTGACCAGCTGTGGCTTT[G>T]ACTGCTTGGAAACCAGCATCGGTGCCCCCGGCGTCTCCATCCACTCAGCCACCTCCCTGG-3'
Protein context (NP_000422.1, residues 356-376): TKQALTSCGF[Asp366Tyr]CLETSIGAPG

ClinVar aggregate classification (germline): Uncertain significance (1 of 4 stars; one submission).

Conditions:
Mevalonic aciduria (MEVA). Identifiers: Orphanet 29, MedGen C1959626, MONDO:0012481, OMIM 610377.
Hyperimmunoglobulin D with periodic fever (HIDS). Also called: Hyperimmunoglobulinemia D; HYPERIMMUNOGLOBULINEMIA D AND PERIODIC FEVER SYNDROME; Hyperimmunoglobulinemia D with periodic fever. Identifiers: Orphanet 343, MedGen C0398691, MONDO:0009849, OMIM 260920.
Porokeratosis 3, disseminated superficial actinic type (POROK3). Also called: POROKERATOSIS, DISSEMINATED SUPERFICIAL ACTINIC, 1; POROKERATOSIS 3, MULTIPLE TYPES; POROKERATOSIS 3, MIBELLI TYPE. Identifiers: MedGen C1867981, MONDO:0008293, OMIM 175900.

Submission:

Labcorp Genetics (formerly Invitae), Labcorp
Classification: Uncertain significance for Mevalonic aciduria; Hyperimmunoglobulin D with periodic fever; Porokeratosis 3, disseminated superficial actinic type. Last evaluated: 2022-08-19. Review status: criteria provided, single submitter. Criteria: Invitae Variant Classification Sherloc (09022015). Collection method: clinical testing. Allele origin: germline.
Comment: This sequence change replaces aspartic acid, which is acidic and polar, with tyrosine, which is neutral and polar, at codon 366 of the MVK protein (p.Asp366Tyr). In summary, the available evidence is currently insufficient to determine the role of this variant in disease. Therefore, it has been classified as a Variant of Uncertain Significance. Advanced modeling of protein sequence and biophysical properties (such as structural, functional, and spatial information, amino acid conservation, physicochemical variation, residue mobility, and thermodynamic stability) performed at Invitae indicates that this missense variant is expected to disrupt MVK protein function. This variant has not been reported in the literature in individuals affected with MVK-related conditions. This variant is not present in population databases (gnomAD no frequency).